The following is an entry in ClinVar:

ClinVar aggregate classification (germline): Uncertain significance (1 of 4 stars; one submission).

Conditions:
Fabry disease. Also called: ALPHA-GALACTOSIDASE A DEFICIENCY; ANDERSON-FABRY DISEASE; CERAMIDE TRIHEXOSIDASE DEFICIENCY; GLA DEFICIENCY; HEREDITARY DYSTOPIC LIPIDOSIS; Angiokeratoma corporis diffusum. Identifiers: Orphanet 324, MedGen C0002986, MONDO:0010526, OMIM 301500, HP:0001071. Disease mechanism: Fabry disease is due to inactivating mutations in the X-linked GLA gene resulting in deficiency of the enzyme Alpha Galactosidase-A., loss of function.

Submission:

Genomenon, Inc
Classification: Uncertain significance for Fabry disease. Last evaluated: 2026-09-08. Review status: criteria provided, single submitter. Criteria: Genomenon Sequence Variant Interpretation Standards - Updated. Collection method: curation. Allele origin: germline. Affected: no.
Comment: GLA p.Ser304Asn (c.911G>A) is a missense variant that changes the amino acid at codon 304 from Serine to Asparagine. This variant has been reported in the published literature (PMID:31367522;32995357;31036492;27657681). It is absent or not present at a significant frequency in gnomAD. In conclusion, we classify GLA p.Ser304Asn (c.911G>A) as a variant of uncertain significance.

Literature cited by the submitters: PubMed 31367522; PubMed 32995357; PubMed 31036492; PubMed 27657681.

NM_000169.3(GLA):c.911G>A (p.Ser304Asn)

Genes: GLA (galactosidase alpha; minus strand), RPL36A-HNRNPH2 (RPL36A-HNRNPH2 readthrough; plus strand). Cytogenetic location: Xq22.1.
Variant type: single nucleotide variant.
Coding change: c.911G>A on transcript NM_000169.3 (MANE Select); coding-DNA position 911, G replaced by A.
Protein change: p.Ser304Asn; replaces serine 304 with asparagine.
Molecular consequence: missense variant. On other transcripts: non-coding transcript variant (3), intron variant (2).
Genome position (GRCh38, 1-based): chrX:101,398,458, C>T on the plus strand (G>A on the coding strand, the complement: GLA is on the minus strand). VCF-style: chrX-101398458-C-T. GRCh37 (hg19) VCF-style: chrX-100653446-C-T.
Other names: c.1034G>A, p.Ser345Asn (NM_001406747.1); c.911G>A, p.Ser304Asn (NM_001406748.1); c.300+3001C>T (NM_001199973.2); c.177+6636C>T (NM_001199974.2); short protein forms S304N, S345N.
Identifiers: ClinVar variation 4087578 (VCV004087578.2).